The following is an entry in ClinVar:

NM_001386140.1(MTTP):c.1751G>A (p.Arg584His)

Gene: MTTP (microsomal triglyceride transfer protein; plus strand). Cytogenetic location: 4q23.
Variant type: single nucleotide variant.
Coding change: c.1751G>A on transcript NM_001386140.1 (MANE Select); coding-DNA position 1751, G replaced by A.
Protein change: p.Arg584His; replaces arginine 584 with histidine.
Molecular consequence: missense variant.
Genome position (GRCh38, 1-based): chr4:99,608,959, G>A. VCF-style: chr4-99608959-G-A. GRCh37 (hg19) VCF-style: chr4-100530116-G-A.
Other names: c.1751G>A, p.Arg584His (NM_000253.4); c.1502G>A, p.Arg501His (NM_001300785.2); short protein forms R501H, R584H.
Identifiers: ClinVar variation 1352641 (VCV001352641.5), dbSNP rs199664737, ClinGen allele CA102641101.

ClinVar aggregate classification (germline): Uncertain significance (1 of 4 stars; one submission).

Allele frequency attached by ClinVar (database versions not stated): gnomAD exomes below 0.00001 and 0.00001; gnomAD 0.00001; TOPMed 0.00001; 1000 Genomes Project 30x 0.00031; 1000 Genomes Project 0.00040.
gnomAD v4.1: 4 of 1,613,990 alleles (0.00025%); highest among the groups gnomAD compares: East Asian, 0.0045%; no homozygotes.

Submission:

Labcorp Genetics (formerly Invitae), Labcorp
Classification: Uncertain significance. Last evaluated: 2021-09-24. Review status: criteria provided, single submitter. Criteria: Invitae Variant Classification Sherloc (09022015). Collection method: clinical testing. Allele origin: germline.
Comment: This sequence change replaces arginine with histidine at codon 584 of the MTTP protein (p.Arg584His). The arginine residue is weakly conserved and there is a small physicochemical difference between arginine and histidine. This variant is not present in population databases (ExAC no frequency). This variant has not been reported in the literature in individuals with MTTP-related conditions. Algorithms developed to predict the effect of missense changes on protein structure and function output the following: SIFT: "Tolerated"; PolyPhen-2: "Benign"; Align-GVGD: "Class C0". The histidine amino acid residue is found in multiple mammalian species, suggesting that this missense change does not adversely affect protein function. These predictions have not been confirmed by published functional studies and their clinical significance is uncertain. In summary, the available evidence is currently insufficient to determine the role of this variant in disease. Therefore, it has been classified as a Variant of Uncertain Significance.